The following is an entry in ClinVar:

ClinVar aggregate classification (germline): Uncertain significance. Review status: criteria provided, multiple submitters, no conflicts (2 of 4 stars). 3 submissions from 3 submitters: Uncertain significance (3). Last evaluated 2025-11-22.

Conditions:
Encephalopathy, acute, infection-induced (herpes-specific), susceptibility to, 1. Also called: Herpes simplex encephalitis, susceptibility to, 1. Identifiers: Orphanet 1930, MedGen C2750180, MONDO:0024563, OMIM 610551.

Allele frequency attached by ClinVar (database versions not stated): gnomAD 0.00006; TOPMed 0.00006.
gnomAD v4.1: 142 of 1,614,034 alleles (0.0088%); highest among the groups gnomAD compares: Non-Finnish European, 0.011%; no homozygotes.

Submissions (3):

Labcorp Genetics (formerly Invitae), Labcorp
Classification: Uncertain significance for Encephalopathy, acute, infection-induced (herpes-specific), susceptibility to, 1. Last evaluated: 2025-11-22. Review status: criteria provided, single submitter. Criteria: Invitae Variant Classification Sherloc (09022015). Collection method: clinical testing. Allele origin: germline.
Comment: This sequence change replaces histidine, which is basic and polar, with asparagine, which is neutral and polar, at codon 739 of the TLR3 protein (p.His739Asn). This variant is present in population databases (no rsID available, gnomAD 0.009%). This variant has not been reported in the literature in individuals affected with TLR3-related conditions. ClinVar contains an entry for this variant (Variation ID: 2655213). An algorithm developed to predict the effect of missense changes on protein structure and function (PolyPhen-2) suggests that this variant is likely to be tolerated. In summary, the available evidence is currently insufficient to determine the role of this variant in disease. Therefore, it has been classified as a Variant of Uncertain Significance.

Ambry Genetics
Classification: Uncertain significance. Last evaluated: 2023-11-29. Review status: criteria provided, single submitter. Criteria: Ambry Variant Classification Scheme 2023. Collection method: clinical testing. Allele origin: germline.

CeGaT Center for Human Genetics Tuebingen
Classification: Uncertain significance. Last evaluated: 2023-02-01. Review status: criteria provided, single submitter. Criteria: CeGaT Center For Human Genetics Tuebingen Variant Classification Criteria Version 2. Collection method: clinical testing. Allele origin: germline. Affected: yes. Observed: 1 variant allele.
Comment: TLR3: PM2, BP4

NM_003265.3(TLR3):c.2215C>A (p.His739Asn)

Gene: TLR3 (toll like receptor 3; plus strand). Cytogenetic location: 4q35.1.
Variant type: single nucleotide variant.
Coding change: c.2215C>A on transcript NM_003265.3 (MANE Select); coding-DNA position 2215, C replaced by A.
Protein change: p.His739Asn; replaces histidine 739 with asparagine.
Molecular consequence: missense variant.
Genome position (GRCh38, 1-based): chr4:186,083,901, C>A. VCF-style: chr4-186083901-C-A. GRCh37 (hg19) VCF-style: chr4-187005055-C-A.
Other names: short protein forms H739N.
Identifiers: ClinVar variation 2655213 (VCV002655213.28), dbSNP rs1376137437, ClinGen allele CA358935642.
Genomic context (GRCh38, chr4:186,083,901, plus strand): 5'-ATTGTACTTCTCATCCACTTTGAGGGCTGGAGGATATCTTTTTATTGGAATGTTTCAGTA[C>A]ATCGAGTTCTTGGTTTCAAAGAAATAGACAGACAGACAGAACAGTTTGAATATGCAGCAT-3'
Protein context (NP_003256.1, residues 729-749): RISFYWNVSV[His739Asn]RVLGFKEIDR